The following is an entry in ClinVar:

ClinVar aggregate classification (germline): Uncertain significance (1 of 4 stars; one submission).

Conditions:
Dilated cardiomyopathy 1G (CMD1G). Identifiers: Orphanet 154, MedGen C1858763, MONDO:0011400, OMIM 604145.
Autosomal recessive limb-girdle muscular dystrophy type 2J (LGMDR10). Also called: Limb-girdle muscular dystrophy, type 2J; MUSCULAR DYSTROPHY, LIMB-GIRDLE, AUTOSOMAL RECESSIVE 10. Identifiers: Orphanet 140922, MedGen C1837342, MONDO:0012127, OMIM 608807.

Submission:

Labcorp Genetics (formerly Invitae), Labcorp
Classification: Uncertain significance for Dilated cardiomyopathy 1G; Autosomal recessive limb-girdle muscular dystrophy type 2J. Last evaluated: 2023-08-17. Review status: criteria provided, single submitter. Criteria: Invitae Variant Classification Sherloc (09022015). Collection method: clinical testing. Allele origin: germline.
Comment: This sequence change replaces asparagine, which is neutral and polar, with threonine, which is neutral and polar, at codon 35348 of the TTN protein (p.Asn35348Thr). This variant is not present in population databases (gnomAD no frequency). In summary, the available evidence is currently insufficient to determine the role of this variant in disease. Therefore, it has been classified as a Variant of Uncertain Significance. Experimental studies and prediction algorithms are not available or were not evaluated, and the functional significance of this variant is currently unknown. This variant has not been reported in the literature in individuals affected with TTN-related conditions.

NM_001267550.2(TTN):c.106043A>C (p.Asn35348Thr)

Genes: TTN (titin; minus strand), TTN-AS1 (TTN antisense RNA 1; plus strand), LOC129935182 (ATAC-STARR-seq lymphoblastoid active region 16807; plus strand). Cytogenetic location: 2q31.2.
Variant type: single nucleotide variant.
Coding change: c.106043A>C on transcript NM_001267550.2 (MANE Select); coding-DNA position 106043, A replaced by C.
Protein change: p.Asn35348Thr; replaces asparagine 35348 with threonine.
Molecular consequence: missense variant.
Genome position (GRCh38, 1-based): chr2:178,530,572, T>G on the plus strand (A>C on the coding strand, the complement: TTN is on the minus strand). VCF-style: chr2-178530572-T-G. GRCh37 (hg19) VCF-style: chr2-179395299-T-G.
Other names: c.101120A>C, p.Asn33707Thr (NM_001256850.1); c.78848A>C, p.Asn26283Thr (NM_003319.4); c.98339A>C, p.Asn32780Thr (NM_133378.4); c.79223A>C, p.Asn26408Thr (NM_133432.3); c.79424A>C, p.Asn26475Thr (NM_133437.4); short protein forms N26283T, N33707T, N35348T, N26408T, N26475T, N32780T.
Identifiers: ClinVar variation 2944821 (VCV002944821.3), dbSNP rs2468375963, ClinGen allele CA349407155.